The following is an entry in ClinVar:

NM_017757.3(ZNF407):c.2897T>C (p.Ile966Thr)

Genes: ZNF407 (zinc finger protein 407; plus strand), LOC126862798 (MED14-independent group 3 enhancer GRCh37_chr18:72345358-72346557; plus strand). Cytogenetic location: 18q22.3.
Variant type: single nucleotide variant.
Coding change: c.2897T>C on transcript NM_017757.3 (MANE Select); coding-DNA position 2897, T replaced by C.
Protein change: p.Ile966Thr; replaces isoleucine 966 with threonine.
Molecular consequence: missense variant.
Genome position (GRCh38, 1-based): chr18:74,633,916, T>C. VCF-style: chr18-74633916-T-C. GRCh37 (hg19) VCF-style: chr18-72345872-T-C.
Other names: c.2897T>C, p.Ile966Thr (NM_001146189.1, NM_001146190.1, NM_001384475.1); short protein forms I966T.
Identifiers: ClinVar variation 3367746 (VCV003367746.1).

ClinVar aggregate classification (germline): Uncertain significance (1 of 4 stars; one submission).

gnomAD v4.1: 11 of 1,613,930 alleles (0.00068%); highest among the groups gnomAD compares: South Asian, 0.0011%; no homozygotes.

Submission:

GeneDx
Classification: Uncertain significance. Last evaluated: 2024-01-09. Review status: criteria provided, single submitter. Criteria: GeneDx Variant Classification Process June 2021. Collection method: clinical testing. Allele origin: germline. Affected: yes.
Comment: Not observed at significant frequency in large population cohorts (gnomAD); In silico analysis supports that this missense variant does not alter protein structure/function; Has not been previously published as pathogenic or benign to our knowledge